The following is an entry in ClinVar:

ClinVar aggregate classification (germline): Uncertain significance (1 of 4 stars; one submission).

Allele frequency attached by ClinVar (database versions not stated): gnomAD exomes 0.00001.
gnomAD v4.1: 14 of 1,612,928 alleles (0.00087%); highest among the groups gnomAD compares: East Asian, 0.011%; no homozygotes.

Submission:

Labcorp Genetics (formerly Invitae), Labcorp
Classification: Uncertain significance. Last evaluated: 2024-02-24. Review status: criteria provided, single submitter. Criteria: Invitae Variant Classification Sherloc (09022015). Collection method: clinical testing. Allele origin: germline.
Comment: This sequence change replaces isoleucine, which is neutral and non-polar, with valine, which is neutral and non-polar, at codon 200 of the MPDZ protein (p.Ile200Val). This variant is present in population databases (no rsID available, gnomAD 0.003%). This variant has not been reported in the literature in individuals affected with MPDZ-related conditions. ClinVar contains an entry for this variant (Variation ID: 1376405). Algorithms developed to predict the effect of missense changes on protein structure and function output the following: SIFT: "Not Available"; PolyPhen-2: "Benign"; Align-GVGD: "Not Available". The valine amino acid residue is found in multiple mammalian species, which suggests that this missense change does not adversely affect protein function. In summary, the available evidence is currently insufficient to determine the role of this variant in disease. Therefore, it has been classified as a Variant of Uncertain Significance.

NM_001378778.1(MPDZ):c.598A>G (p.Ile200Val)

Gene: MPDZ (multiple PDZ domain crumbs cell polarity complex component; minus strand). Cytogenetic location: 9p23.
Variant type: single nucleotide variant.
Coding change: c.598A>G on transcript NM_001378778.1 (MANE Select); coding-DNA position 598, A replaced by G.
Protein change: p.Ile200Val; replaces isoleucine 200 with valine.
Molecular consequence: missense variant.
Genome position (GRCh38, 1-based): chr9:13,222,382, T>C on the plus strand (A>G on the coding strand, the complement: MPDZ is on the minus strand). VCF-style: chr9-13222382-T-C. GRCh37 (hg19) VCF-style: chr9-13222381-T-C.
Other names: c.598A>G, p.Ile200Val (NM_001261406.2, NM_001261407.2, NM_001330637.2 and 14 more transcripts); short protein forms I200V.
Identifiers: ClinVar variation 1376405 (VCV001376405.6), dbSNP rs1371966924, ClinGen allele CA372946875.